The following is an entry in ClinVar:

ClinVar aggregate classification (germline): Uncertain significance (1 of 4 stars; one submission).

Conditions:
Niemann-Pick disease, type C1. Also called: NEUROVISCERAL STORAGE DISEASE WITH VERTICAL SUPRANUCLEAR OPHTHALMOPLEGIA; NIEMANN-PICK DISEASE WITH CHOLESTEROL ESTERIFICATION BLOCK; NIEMANN-PICK DISEASE WITHOUT SPHINGOMYELINASE DEFICIENCY; NIEMANN-PICK DISEASE, CHRONIC NEURONOPATHIC FORM; NIEMANN-PICK DISEASE, VARIANT TYPE C1. Identifiers: Orphanet 646, MedGen C3179455, MONDO:0009757, OMIM 257220.

Submission:

Myriad Genetics, Inc.
Classification: Uncertain significance for Niemann-Pick disease, type C1. Last evaluated: 2026-05-29. Review status: criteria provided, single submitter. Criteria: Myriad Autosomal Dominant, Autosomal Recessive and X-Linked Classification Criteria (2023). Collection method: clinical testing. Allele origin: unknown.
Comment: NM_000271.4(NPC1):c.2429T>G(V810G) is a missense variant classified as a variant of uncertain significance in the context of Niemann-Pick disease type C1. V810G has not been observed in cases with relevant disease. Relevant functional assessments of this variant are not available in the literature. V810G has not been observed in referenced population frequency databases. In summary, there is insufficient evidence to classify NM_000271.4(NPC1):c.2429T>G(V810G) as pathogenic or benign. Please note: this variant was assessed in the context of healthy population screening.

NM_000271.5(NPC1):c.2429T>G (p.Val810Gly)

Gene: NPC1 (NPC intracellular cholesterol transporter 1; minus strand). Cytogenetic location: 18q11.2.
Variant type: single nucleotide variant.
Coding change: c.2429T>G on transcript NM_000271.5 (MANE Select); coding-DNA position 2429, T replaced by G.
Protein change: p.Val810Gly; replaces valine 810 with glycine.
Molecular consequence: missense variant.
Genome position (GRCh38, 1-based): chr18:23,541,153, A>C on the plus strand (T>G on the coding strand, the complement: NPC1 is on the minus strand). VCF-style: chr18-23541153-A-C. GRCh37 (hg19) VCF-style: chr18-21121117-A-C.
Other names: short protein forms V810G.
Identifiers: ClinVar variation 5003310 (VCV005003310.1).